The following is an entry in ClinVar:

NM_001184880.2(PCDH19):c.1684G>A (p.Val562Ile)

Gene: PCDH19 (protocadherin 19; minus strand). Cytogenetic location: Xq22.1.
Variant type: single nucleotide variant.
Coding change: c.1684G>A on transcript NM_001184880.2 (MANE Select); coding-DNA position 1684, G replaced by A.
Protein change: p.Val562Ile; replaces valine 562 with isoleucine.
Molecular consequence: missense variant.
Genome position (GRCh38, 1-based): chrX:100,406,914, C>T on the plus strand (G>A on the coding strand, the complement: PCDH19 is on the minus strand). VCF-style: chrX-100406914-C-T. GRCh37 (hg19) VCF-style: chrX-99661912-C-T.
Other names: c.1684G>A, p.Val562Ile (NM_001105243.2, NM_020766.3); short protein forms V562I.
Identifiers: ClinVar variation 1044956 (VCV001044956.9), dbSNP rs755456420, ClinGen allele CA10468853.
Genomic context (GRCh38, chrX:100,406,914, plus strand): 5'-CAGAGTTGCGGGGTATGTAGACCTCGGCAGTGCCGTTAATCAGAGGTGGGGCTGTGATGA[C>T]CGGGGTGTTGTCGTTGACGTCGAGGATGATGACCCGCACCGTAGCGTTGCTTTGCAGTGA-3'
Protein context (NP_001171809.1, residues 552-572): IILDVNDNTP[Val562Ile]ITAPPLINGT

ClinVar aggregate classification (germline): Uncertain significance (1 of 4 stars; one submission).

Conditions:
Developmental and epileptic encephalopathy, 9 (DEE9). Also called: EPILEPSY, FEMALE-RESTRICTED, WITH MENTAL RETARDATION; JUBERG-HELLMAN SYNDROME; Early infantile epileptic encephalopathy 9; PCDH19-Related X-Linked Female-Limited Epilepsy with Mental Retardation. Identifiers: Orphanet 101039, Orphanet 2076, MedGen C1848137, MONDO:0010246, OMIM 300088. Disease mechanism: loss of function.

Allele frequency attached by ClinVar (database versions not stated): gnomAD exomes below 0.00001 and 0.00001; ExAC 0.00001; TOPMed 0.00003; gnomAD 0.00004.
gnomAD v4.1: 6 of 1,209,845 alleles (0.0005%); highest among the groups gnomAD compares: African/African-American, 0.0087%; no homozygotes.

Submission:

Labcorp Genetics (formerly Invitae), Labcorp
Classification: Uncertain significance for Developmental and epileptic encephalopathy, 9. Last evaluated: 2024-10-22. Review status: criteria provided, single submitter. Criteria: Invitae Variant Classification Sherloc (09022015). Collection method: clinical testing. Allele origin: germline.
Comment: This sequence change replaces valine, which is neutral and non-polar, with isoleucine, which is neutral and non-polar, at codon 562 of the PCDH19 protein (p.Val562Ile). This variant is present in population databases (rs755456420, gnomAD 0.01%). This variant has not been reported in the literature in individuals affected with PCDH19-related conditions. ClinVar contains an entry for this variant (Variation ID: 1044956). Invitae Evidence Modeling of protein sequence and biophysical properties (such as structural, functional, and spatial information, amino acid conservation, physicochemical variation, residue mobility, and thermodynamic stability) indicates that this missense variant is not expected to disrupt PCDH19 protein function with a negative predictive value of 95%. In summary, the available evidence is currently insufficient to determine the role of this variant in disease. Therefore, it has been classified as a Variant of Uncertain Significance.